The following is an entry in ClinVar:

NM_001854.4(COL11A1):c.2710-7G>A

Gene: COL11A1 (collagen type XI alpha 1 chain; minus strand). Cytogenetic location: 1p21.1.
Variant type: single nucleotide variant.
Coding change: c.2710-7G>A on transcript NM_001854.4 (MANE Select); 7 bases into the intron before coding-DNA position 2710, G replaced by A.
Molecular consequence: intron variant.
Genome position (GRCh38, 1-based): chr1:102,978,759, C>T on the plus strand (G>A on the coding strand, the complement: COL11A1 is on the minus strand). VCF-style: chr1-102978759-C-T. GRCh37 (hg19) VCF-style: chr1-103444315-C-T.
Other names: c.2593-7G>A (NM_001190709.2); c.2746-7G>A (NM_080629.3); c.2362-7G>A (NM_080630.4).
Identifiers: ClinVar variation 3048826 (VCV003048826.2), dbSNP rs1434713381, ClinGen allele CA2646804913.

ClinVar aggregate classification (germline): Likely benign (0 of 4 stars; one submission).

Conditions:
COL11A1-related disorder. Also called: COL11A1-related disorders; COL11A1-related condition.

gnomAD v4.1: 1 of 1,614,076 alleles (0.000062%); highest among the groups gnomAD compares: Non-Finnish European, 0.000085%; no homozygotes.

Submission:

PreventionGenetics, part of Exact Sciences
Classification: Likely benign for COL11A1-related condition. Last evaluated: 2023-07-06. Review status: no assertion criteria provided. Collection method: clinical testing. Allele origin: germline.
Comment: This variant is classified as likely benign based on ACMG/AMP sequence variant interpretation guidelines (Richards et al. 2015 PMID: 25741868, with internal and published modifications).